The following is an entry in ClinVar:

ClinVar aggregate classification (germline): Uncertain significance. Review status: criteria provided, multiple submitters, no conflicts (2 of 4 stars). 4 submissions from 4 submitters: Uncertain significance (4). Last evaluated 2025-12-04.

Conditions:
Hereditary cancer-predisposing syndrome. Also called: Neoplastic Syndromes, Hereditary; Tumor predisposition; Hereditary Cancer Syndrome; Hereditary neoplastic syndrome. Identifiers: Orphanet 140162, MedGen C0027672, MeSH D009386, MONDO:0015356.
Multiple endocrine neoplasia, type 2 (MEN2). Identifiers: Orphanet 653, MedGen C4048306, MONDO:0019003. Disease mechanism: gain of function.

Allele frequency attached by ClinVar (database versions not stated): gnomAD 0.00001; TOPMed 0.00001.
gnomAD v4.1: 2 of 1,613,824 alleles (0.00012%); highest among the groups gnomAD compares: Non-Finnish European, 0.000085%; no homozygotes.

Submissions (4):

Ambry Genetics
Classification: Uncertain significance for Hereditary cancer-predisposing syndrome. Last evaluated: 2025-12-04. Review status: criteria provided, single submitter. Criteria: Ambry Variant Classification Scheme 2023. Collection method: clinical testing. Allele origin: germline.
Comment: The p.Y1015H variant (also known as c.3043T>C), located in coding exon 19 of the RET gene, results from a T to C substitution at nucleotide position 3043. The tyrosine at codon 1015 is replaced by histidine, an amino acid with similar properties. This amino acid position is highly conserved in available vertebrate species. In addition, the in silico prediction for this alteration is inconclusive. Since supporting evidence is limited at this time, the clinical significance of this alteration remains unclear.

GeneDx
Classification: Uncertain significance. Last evaluated: 2025-07-16. Review status: criteria provided, single submitter. Criteria: GeneDx Variant Classification Process June 2021. Collection method: clinical testing. Allele origin: germline. Affected: yes.
Comment: Not observed at significant frequency in large population cohorts (gnomAD); In silico analysis supports that this missense variant has a deleterious effect on protein structure/function; Has not been previously published as pathogenic or benign to our knowledge; This variant is associated with the following publications: (PMID: 14633923)

Color Diagnostics, LLC DBA Color Health
Classification: Uncertain significance for Multiple endocrine neoplasia, type 2. Last evaluated: 2025-07-14. Review status: criteria provided, single submitter. Criteria: ACMG Guidelines, 2015. Collection method: clinical testing. Allele origin: germline.
Comment: This missense variant replaces tyrosine with histidine at codon 1015 of the RET protein. Computational prediction suggests that this variant may have deleterious impact on protein structure and function. To our knowledge, functional studies have not been reported for this variant. This variant has not been reported in individuals affected with RET-related disorders in the literature. This variant has not been identified in the general population by the Genome Aggregation Database (gnomAD). The available evidence is insufficient to determine the role of this variant in disease conclusively. Therefore, this variant is classified as a Variant of Uncertain Significance.

Labcorp Genetics (formerly Invitae), Labcorp
Classification: Uncertain significance for Multiple endocrine neoplasia, type 2. Last evaluated: 2023-11-13. Review status: criteria provided, single submitter. Criteria: Invitae Variant Classification Sherloc (09022015). Collection method: clinical testing. Allele origin: germline.
Comment: This sequence change replaces tyrosine, which is neutral and polar, with histidine, which is basic and polar, at codon 1015 of the RET protein (p.Tyr1015His). This variant is present in population databases (no rsID available, gnomAD 0.004%). This variant has not been reported in the literature in individuals affected with RET-related conditions. ClinVar contains an entry for this variant (Variation ID: 1799179). An algorithm developed to predict the effect of missense changes on protein structure and function (PolyPhen-2) suggests that this variant is likely to be disruptive. In summary, the available evidence is currently insufficient to determine the role of this variant in disease. Therefore, it has been classified as a Variant of Uncertain Significance.

NM_020975.6(RET):c.3043T>C (p.Tyr1015His)

Gene: RET (ret proto-oncogene; plus strand). Cytogenetic location: 10q11.21.
Variant type: single nucleotide variant.
Coding change: c.3043T>C on transcript NM_020975.6 (MANE Select); coding-DNA position 3043, T replaced by C.
Protein change: p.Tyr1015His; replaces tyrosine 1015 with histidine.
Molecular consequence: missense variant.
Genome position (GRCh38, 1-based): chr10:43,126,578, T>C. VCF-style: chr10-43126578-T-C. GRCh37 (hg19) VCF-style: chr10-43622026-T-C.
Other names: c.3043T>C, p.Tyr1015His (NM_000323.2, NM_001406743.1, NM_001406744.1 and 4 more transcripts); c.2281T>C, p.Tyr761His (NM_001355216.2); c.2914T>C, p.Tyr972His (NM_001406761.1, NM_001406762.1, NM_001406764.1); c.2908T>C, p.Tyr970His (NM_001406763.1, NM_001406765.1); c.2755T>C, p.Tyr919His (NM_001406766.1, NM_001406767.1, NM_001406770.1); c.2779T>C, p.Tyr927His (NM_001406768.1); c.2647T>C, p.Tyr883His (NM_001406769.1, NM_001406772.1); c.2605T>C, p.Tyr869His (NM_001406771.1, NM_001406773.1); and 10 more; short protein forms Y620H, Y671H, Y716H, Y761H, Y869H, Y927H, Y1015H, Y532H.
Identifiers: ClinVar variation 1799179 (VCV001799179.9), dbSNP rs1405858449, ClinGen allele CA376558273.